The following is an entry in ClinVar:

NM_004370.6(COL12A1):c.3529C>T (p.Leu1177Phe)

Gene: COL12A1 (collagen type XII alpha 1 chain; minus strand). Cytogenetic location: 6q13.
Variant type: single nucleotide variant.
Coding change: c.3529C>T on transcript NM_004370.6 (MANE Select); coding-DNA position 3529, C replaced by T.
Protein change: p.Leu1177Phe; replaces leucine 1177 with phenylalanine.
Molecular consequence: missense variant. On other transcripts: intron variant (2).
Genome position (GRCh38, 1-based): chr6:75,154,452, G>A on the plus strand (C>T on the coding strand, the complement: COL12A1 is on the minus strand). VCF-style: chr6-75154452-G-A. GRCh37 (hg19) VCF-style: chr6-75864168-G-A.
Other names: c.3529C>T, p.Leu1177Phe (NM_001424113.1, NM_001424114.1); c.3256C>T, p.Leu1086Phe (NM_001424115.1); c.74-1970C>T (NM_001424116.1, NM_080645.3); short protein forms L1177F, L1086F.
Identifiers: ClinVar variation 4994253 (VCV004994253.1).

ClinVar aggregate classification (germline): Uncertain significance (1 of 4 stars; one submission).

Conditions:
COL12A1-related disorder. Also called: COL12A1-related condition.

Submission:

PreventionGenetics, part of Exact Sciences
Classification: Uncertain significance for COL12A1-related condition. Last evaluated: 2026-07-29. Review status: criteria provided, single submitter. Criteria: ACMG Guidelines, 2015. Collection method: clinical testing. Allele origin: germline.
Comment: The COL12A1 c.3529C>T variant is predicted to result in the amino acid substitution p.Leu1177Phe. To our knowledge, this variant has not been reported in the literature or in a large population database (gnomAD), indicating this variant is rare. At this time, the clinical significance of this variant is uncertain due to the absence of conclusive functional and genetic evidence.